The following is an entry in ClinVar:

ClinVar aggregate classification (germline): Uncertain significance (1 of 4 stars; one submission).

Conditions:
Spastic paraplegia. Identifiers: MedGen C0037772, HP:0001258.

Submission:

Labcorp Genetics (formerly Invitae), Labcorp
Classification: Uncertain significance for Spastic paraplegia. Last evaluated: 2025-07-20. Review status: criteria provided, single submitter. Criteria: Invitae Variant Classification Sherloc (09022015). Collection method: clinical testing. Allele origin: germline.
Comment: This sequence change replaces glycine, which is neutral and non-polar, with arginine, which is basic and polar, at codon 153 of the RTN2 protein (p.Gly153Arg). This variant is not present in population databases (gnomAD no frequency). This variant has not been reported in the literature in individuals affected with RTN2-related conditions. An algorithm developed to predict the effect of missense changes on protein structure and function (PolyPhen-2) suggests that this variant is likely to be disruptive. In summary, the available evidence is currently insufficient to determine the role of this variant in disease. Therefore, it has been classified as a Variant of Uncertain Significance.

NM_005619.5(RTN2):c.457G>A (p.Gly153Arg)

Genes: OPA3-RTN2 (OPA3-RTN2 readthrough; minus strand), RTN2 (reticulon 2; minus strand). Cytogenetic location: 19q13.32.
Variant type: single nucleotide variant.
Coding change: c.457G>A on transcript NM_005619.5 (MANE Select); coding-DNA position 457, G replaced by A.
Protein change: p.Gly153Arg; replaces glycine 153 with arginine.
Molecular consequence: missense variant.
Genome position (GRCh38, 1-based): chr19:45,494,628, C>T on the plus strand (G>A on the coding strand, the complement: RTN2 is on the minus strand). VCF-style: chr19-45494628-C-T. GRCh37 (hg19) VCF-style: chr19-45997886-C-T.
Other names: c.457G>A, p.Gly153Arg (NM_206900.3); short protein forms G153R.
Identifiers: ClinVar variation 4722852 (VCV004722852.1).
Genomic context (GRCh38, chr19:45,494,628, plus strand): 5'-GTTCTTCGTCTTCCAGCGGGGTGGAGCTGCTGGTGGAAGAGTCCTCCCCGGATCCCGTTC[C>T]CCGGGCCACCCAGCCCAGATGGTCCAACCGAAGCCTCAGGTCTTCCAGAGGGCGCTCGGA-3'
Protein context (NP_005610.1, residues 143-163): RLDHLGWVAR[Gly153Arg]TGSGEDSSTS